The following is an entry in ClinVar:

NM_001253852.3(AP4B1):c.1843T>G (p.Ser615Ala)

Genes: AP4B1 (adaptor related protein complex 4 subunit beta 1; minus strand), AP4B1-AS1 (AP4B1 antisense RNA 1; plus strand). Cytogenetic location: 1p13.2.
Variant type: single nucleotide variant.
Coding change: c.1843T>G on transcript NM_001253852.3 (MANE Select); coding-DNA position 1843, T replaced by G.
Protein change: p.Ser615Ala; replaces serine 615 with alanine.
Molecular consequence: missense variant.
Genome position (GRCh38, 1-based): chr1:113,895,442, A>C on the plus strand (T>G on the coding strand, the complement: AP4B1 is on the minus strand). VCF-style: chr1-113895442-A-C. GRCh37 (hg19) VCF-style: chr1-114438064-A-C.
Other names: c.1546T>G, p.Ser516Ala (NM_001253853.3); c.1339T>G, p.Ser447Ala (NM_001308312.2); c.1843T>G, p.Ser615Ala (NM_006594.5); short protein forms S615A, S516A, S447A.
Identifiers: ClinVar variation 1038724 (VCV001038724.5), dbSNP rs148748734, ClinGen allele CA1015688.

ClinVar aggregate classification (germline): Uncertain significance. Review status: criteria provided, multiple submitters, no conflicts (2 of 4 stars). 2 submissions from 2 submitters: Uncertain significance (2). Last evaluated 2021-09-17.

Conditions:
Hereditary spastic paraplegia 47. Also called: adaptor protein 4 (AP-4) deficiency syndrome; CEREBRAL PALSY, SPASTIC QUADRIPLEGIC, 5; Spastic paraplegia 47, autosomal recessive. Identifiers: Orphanet 280763, MedGen C3279738, MONDO:0013551, OMIM 614066.

Allele frequency attached by ClinVar (database versions not stated): ExAC 0.00007; gnomAD 0.00021 and 0.00023; TOPMed 0.00024; ESP Exome Variant Server 0.00031; 1000 Genomes Project 0.00040; 1000 Genomes Project 30x 0.00047.

Submissions (2):

Labcorp Genetics (formerly Invitae), Labcorp
Classification: Uncertain significance for Hereditary spastic paraplegia 47. Last evaluated: 2021-09-17. Review status: criteria provided, single submitter. Criteria: Invitae Variant Classification Sherloc (09022015). Collection method: clinical testing. Allele origin: germline.
Comment: This sequence change replaces serine with alanine at codon 615 of the AP4B1 protein (p.Ser615Ala). The serine residue is moderately conserved and there is a moderate physicochemical difference between serine and alanine. This variant is present in population databases (rs148748734, ExAC 0.07%). This variant has not been reported in the literature in individuals affected with AP4B1-related conditions. Algorithms developed to predict the effect of missense changes on protein structure and function output the following: SIFT: "Tolerated"; PolyPhen-2: "Benign"; Align-GVGD: "Class C0". The alanine amino acid residue is found in multiple mammalian species, which suggests that this missense change does not adversely affect protein function. In summary, the available evidence is currently insufficient to determine the role of this variant in disease. Therefore, it has been classified as a Variant of Uncertain Significance.

Breakthrough Genomics
Classification: Uncertain significance. Review status: criteria provided, single submitter. Criteria: ACMG Guidelines, 2015. Collection method: not provided. Allele origin: germline. Inheritance: Autosomal recessive inheritance. Affected: yes.